The following is an entry in ClinVar:

NM_003632.3(CNTNAP1):c.3412G>C (p.Val1138Leu)

Gene: CNTNAP1 (contactin associated protein 1; plus strand). Cytogenetic location: 17q21.2.
Variant type: single nucleotide variant.
Coding change: c.3412G>C on transcript NM_003632.3 (MANE Select); coding-DNA position 3412, G replaced by C.
Protein change: p.Val1138Leu; replaces valine 1138 with leucine.
Molecular consequence: missense variant.
Genome position (GRCh38, 1-based): chr17:42,696,090, G>C. VCF-style: chr17-42696090-G-C. GRCh37 (hg19) VCF-style: chr17-40848108-G-C.
Other names: short protein forms V1138L.
Identifiers: ClinVar variation 1986031 (VCV001986031.4), dbSNP rs1407299243, ClinGen allele CA399625535.
Genomic context (GRCh38, chr17:42,696,090, plus strand): 5'-CTTCAGCTGCGATATCAGCTGGGCACCAGTCCCTACGTGTACCAGCTAACCACTCGACCA[G>C]TGACCGATGGCCAGCCCCATAGCATCAATATCACCCGTGTTTACCGGAACCTCTTCATCC-3'
Protein context (NP_003623.1, residues 1128-1148): PYVYQLTTRP[Val1138Leu]TDGQPHSINI

ClinVar aggregate classification (germline): Uncertain significance (1 of 4 stars; one submission).

Submission:

Labcorp Genetics (formerly Invitae), Labcorp
Classification: Uncertain significance. Last evaluated: 2022-03-26. Review status: criteria provided, single submitter. Criteria: Invitae Variant Classification Sherloc (09022015). Collection method: clinical testing. Allele origin: germline.
Comment: In summary, the available evidence is currently insufficient to determine the role of this variant in disease. Therefore, it has been classified as a Variant of Uncertain Significance. Algorithms developed to predict the effect of missense changes on protein structure and function (SIFT, PolyPhen-2, Align-GVGD) all suggest that this variant is likely to be tolerated. This variant has not been reported in the literature in individuals affected with CNTNAP1-related conditions. This variant is present in population databases (no rsID available, gnomAD no frequency). This sequence change replaces valine, which is neutral and non-polar, with leucine, which is neutral and non-polar, at codon 1138 of the CNTNAP1 protein (p.Val1138Leu).